The following is an entry in ClinVar:

ClinVar aggregate classification (germline): Uncertain significance (1 of 4 stars; one submission).

Conditions:
Lethal multiple pterygium syndrome (LMPS). Identifiers: Orphanet 33108, MedGen C1854678, MONDO:0009668, OMIM 253290.

Allele frequency attached by ClinVar (database versions not stated): gnomAD exomes below 0.00001; TOPMed 0.00001.
gnomAD v4.1: 2 of 1,613,334 alleles (0.00012%); highest among the groups gnomAD compares: Admixed American, 0.0033%; no homozygotes.

Submission:

Labcorp Genetics (formerly Invitae), Labcorp
Classification: Uncertain significance for Lethal multiple pterygium syndrome. Last evaluated: 2024-06-28. Review status: criteria provided, single submitter. Criteria: Invitae Variant Classification Sherloc (09022015). Collection method: clinical testing. Allele origin: germline.
Comment: This sequence change replaces valine, which is neutral and non-polar, with alanine, which is neutral and non-polar, at codon 280 of the CHRND protein (p.Val280Ala). This variant is present in population databases (no rsID available, gnomAD 0.006%). This variant has not been reported in the literature in individuals affected with CHRND-related conditions. ClinVar contains an entry for this variant (Variation ID: 2054919). Advanced modeling of protein sequence and biophysical properties (such as structural, functional, and spatial information, amino acid conservation, physicochemical variation, residue mobility, and thermodynamic stability) performed at Invitae indicates that this missense variant is not expected to disrupt CHRND protein function with a negative predictive value of 80%. In summary, the available evidence is currently insufficient to determine the role of this variant in disease. Therefore, it has been classified as a Variant of Uncertain Significance.

NM_000751.3(CHRND):c.839T>C (p.Val280Ala)

Gene: CHRND (cholinergic receptor nicotinic delta subunit; plus strand). Cytogenetic location: 2q37.1.
Variant type: single nucleotide variant.
Coding change: c.839T>C on transcript NM_000751.3 (MANE Select); coding-DNA position 839, T replaced by C.
Protein change: p.Val280Ala; replaces valine 280 with alanine.
Molecular consequence: missense variant.
Genome position (GRCh38, 1-based): chr2:232,531,370, T>C. VCF-style: chr2-232531370-T-C. GRCh37 (hg19) VCF-style: chr2-233396080-T-C.
Other names: c.794T>C, p.Val265Ala (NM_001256657.2); c.257T>C, p.Val86Ala (NM_001311195.2); c.536T>C, p.Val179Ala (NM_001311196.2); short protein forms V179A, V86A, V280A, V265A.
Identifiers: ClinVar variation 2054919 (VCV002054919.4), dbSNP rs1352055530, ClinGen allele CA351002377.